The following is an entry in ClinVar:

ClinVar aggregate classification (germline): Uncertain significance (1 of 4 stars; one submission).

Conditions:
Fanconi anemia (FA). Also called: Fanconi's anemia. Identifiers: Orphanet 84, MedGen C0015625, MeSH D005199, MONDO:0019391.

Submission:

Labcorp Genetics (formerly Invitae), Labcorp
Classification: Uncertain significance for Fanconi anemia. Last evaluated: 2022-08-28. Review status: criteria provided, single submitter. Criteria: Invitae Variant Classification Sherloc (09022015). Collection method: clinical testing. Allele origin: germline.
Comment: This sequence change replaces arginine, which is basic and polar, with leucine, which is neutral and non-polar, at codon 1465 of the SLX4 protein (p.Arg1465Leu). This variant is not present in population databases (gnomAD no frequency). This variant has not been reported in the literature in individuals affected with SLX4-related conditions. ClinVar contains an entry for this variant (Variation ID: 1505010). Algorithms developed to predict the effect of missense changes on protein structure and function (SIFT, PolyPhen-2, Align-GVGD) all suggest that this variant is likely to be tolerated. In summary, the available evidence is currently insufficient to determine the role of this variant in disease. Therefore, it has been classified as a Variant of Uncertain Significance.

NM_032444.4(SLX4):c.4394G>T (p.Arg1465Leu)

Gene: SLX4 (SLX4 structure-specific endonuclease subunit; minus strand). Cytogenetic location: 16p13.3.
Variant type: single nucleotide variant.
Coding change: c.4394G>T on transcript NM_032444.4 (MANE Select); coding-DNA position 4394, G replaced by T.
Protein change: p.Arg1465Leu; replaces arginine 1465 with leucine.
Molecular consequence: missense variant.
Genome position (GRCh38, 1-based): chr16:3,589,244, C>A on the plus strand (G>T on the coding strand, the complement: SLX4 is on the minus strand). VCF-style: chr16-3589244-C-A. GRCh37 (hg19) VCF-style: chr16-3639245-C-A.
Other names: short protein forms R1465L.
Identifiers: ClinVar variation 1505010 (VCV001505010.7), dbSNP rs757128699, ClinGen allele CA394517224.